The following is an entry in ClinVar:

ClinVar aggregate classification (germline): Uncertain significance. Review status: criteria provided, multiple submitters, no conflicts (2 of 4 stars). 2 submissions from 2 submitters: Uncertain significance (2). Last evaluated 2024-01-08.

Conditions:
Bardet-Biedl syndrome (BBS). Identifiers: Orphanet 110, MedGen C0752166, MONDO:0015229.
Bardet-Biedl syndrome 10 (BBS10). Identifiers: Orphanet 110, MedGen C1859568, MONDO:0014438, OMIM 615987.

Allele frequency attached by ClinVar (database versions not stated): TOPMed below 0.00001; ExAC 0.00001; gnomAD 0.00001; gnomAD exomes 0.00001 and 0.00002.

Submissions (2):

Labcorp Genetics (formerly Invitae), Labcorp
Classification: Uncertain significance for Bardet-Biedl syndrome. Last evaluated: 2024-01-08. Review status: criteria provided, single submitter. Criteria: Invitae Variant Classification Sherloc (09022015). Collection method: clinical testing. Allele origin: germline.
Comment: This sequence change replaces serine, which is neutral and polar, with glycine, which is neutral and non-polar, at codon 312 of the BBS10 protein (p.Ser312Gly). This variant is present in population databases (rs759385121, gnomAD 0.002%). This variant has not been reported in the literature in individuals affected with BBS10-related conditions. ClinVar contains an entry for this variant (Variation ID: 953454). Advanced modeling of protein sequence and biophysical properties (such as structural, functional, and spatial information, amino acid conservation, physicochemical variation, residue mobility, and thermodynamic stability) performed at Invitae indicates that this missense variant is not expected to disrupt BBS10 protein function with a negative predictive value of 80%. In summary, the available evidence is currently insufficient to determine the role of this variant in disease. Therefore, it has been classified as a Variant of Uncertain Significance.

Fulgent Genetics
Classification: Uncertain significance for Bardet-Biedl syndrome 10. Last evaluated: 2021-12-17. Review status: criteria provided, single submitter. Criteria: ACMG Guidelines, 2015. Collection method: clinical testing. Allele origin: unknown.

NM_024685.4(BBS10):c.934A>G (p.Ser312Gly)

Gene: BBS10 (Bardet-Biedl syndrome 10; minus strand). Cytogenetic location: 12q21.2.
Variant type: single nucleotide variant.
Coding change: c.934A>G on transcript NM_024685.4 (MANE Select); coding-DNA position 934, A replaced by G.
Protein change: p.Ser312Gly; replaces serine 312 with glycine.
Molecular consequence: missense variant.
Genome position (GRCh38, 1-based): chr12:76,347,051, T>C on the plus strand (A>G on the coding strand, the complement: BBS10 is on the minus strand). VCF-style: chr12-76347051-T-C. GRCh37 (hg19) VCF-style: chr12-76740831-T-C.
Other names: short protein forms S312G.
Identifiers: ClinVar variation 953454 (VCV000953454.7), dbSNP rs759385121, ClinGen allele CA6694265.